The following is an entry in ClinVar:

ClinVar aggregate classification (germline): Uncertain significance (1 of 4 stars; one submission).

Conditions:
Cardiovascular phenotype. Identifiers: MedGen CN230736.
Hereditary cancer-predisposing syndrome. Also called: Neoplastic Syndromes, Hereditary; Tumor predisposition; Hereditary neoplastic syndrome; Hereditary Cancer Syndrome. Identifiers: Orphanet 140162, MedGen C0027672, MeSH D009386, MONDO:0015356.

Submission:

Ambry Genetics
Classification: Uncertain significance for Cardiovascular phenotype; Hereditary cancer-predisposing syndrome. Last evaluated: 2026-06-20. Review status: criteria provided, single submitter. Criteria: Ambry Variant Classification Scheme 2023. Collection method: clinical testing. Allele origin: germline.
Comment: The p.C582Y variant (also known as c.1745G>A), located in coding exon 16 of the NF1 gene, results from a G to A substitution at nucleotide position 1745. The cysteine at codon 582 is replaced by tyrosine, an amino acid with highly dissimilar properties. This amino acid position is conserved. In addition, this alteration is predicted to be deleterious by in silico analysis. Based on the available evidence, the clinical significance of this variant remains unclear.

NM_001042492.3(NF1):c.1745G>A (p.Cys582Tyr)

Gene: NF1 (neurofibromin 1; plus strand). Cytogenetic location: 17q11.2.
Variant type: single nucleotide variant.
Coding change: c.1745G>A on transcript NM_001042492.3 (MANE Select); coding-DNA position 1745, G replaced by A.
Protein change: p.Cys582Tyr; replaces cysteine 582 with tyrosine.
Molecular consequence: missense variant.
Genome position (GRCh38, 1-based): chr17:31,223,467, G>A. VCF-style: chr17-31223467-G-A. GRCh37 (hg19) VCF-style: chr17-29550485-G-A.
Other names: c.1745G>A, p.Cys582Tyr (NM_000267.4); short protein forms C582Y.
Identifiers: ClinVar variation 5025535 (VCV005025535.1).